The following is an entry in ClinVar:

NC_000023.10:g.(?_32305626)_(32383336_?)del

Gene: DMD (dystrophin; minus strand). Cytogenetic location: Xp21.1.
Variant type: Deletion.
Identifiers: ClinVar variation 1459753 (VCV001459753.7).

ClinVar aggregate classification (germline): Pathogenic (1 of 4 stars; one submission).

Conditions:
Duchenne muscular dystrophy (DMD). Also called: Duchenne Muscular Dystrophy (DMD); MUSCULAR DYSTROPHY, PSEUDOHYPERTROPHIC PROGRESSIVE, DUCHENNE TYPE. Identifiers: Orphanet 98896, MedGen C0013264, MONDO:0010679, OMIM 310200.

Submission:

Labcorp Genetics (formerly Invitae), Labcorp
Classification: Pathogenic for Duchenne muscular dystrophy. Last evaluated: 2023-08-03. Review status: criteria provided, single submitter. Criteria: Invitae Variant Classification Sherloc (09022015). Collection method: clinical testing. Allele origin: germline.
Comment: For these reasons, this variant has been classified as Pathogenic. A similar copy number variant has been observed in individual(s) with Duchenne muscular dystrophy (PMID: 1301934). This variant is a gross deletion of the genomic region encompassing exon(s) 35-43 of the DMD gene. This deletion is out-of-frame, and is expected to create a premature termination codon and result in an absent or disrupted protein product. Loss-of-function variants in DMD are known to be pathogenic (PMID: 16770791, 25007885).

Literature cited by the submitters: PubMed 1301934; PubMed 16770791; PubMed 25007885.